The following is an entry in ClinVar:

NM_001364905.1(LRBA):c.1930C>T (p.Pro644Ser)

Gene: LRBA (LPS responsive beige-like anchor protein; minus strand). Cytogenetic location: 4q31.3.
Variant type: single nucleotide variant.
Coding change: c.1930C>T on transcript NM_001364905.1 (MANE Select); coding-DNA position 1930, C replaced by T.
Protein change: p.Pro644Ser; replaces proline 644 with serine.
Molecular consequence: missense variant.
Genome position (GRCh38, 1-based): chr4:150,897,813, G>A on the plus strand (C>T on the coding strand, the complement: LRBA is on the minus strand). VCF-style: chr4-150897813-G-A. GRCh37 (hg19) VCF-style: chr4-151818965-G-A.
Other names: c.1930C>T, p.Pro644Ser (NM_001199282.3, NM_001367550.1, NM_006726.5); short protein forms P644S.
Identifiers: ClinVar variation 973648 (VCV000973648.8), dbSNP rs1730263409, ClinGen allele CA358429621.
Genomic context (GRCh38, chr4:150,897,813, plus strand): 5'-GCTTAATGAACATCAACAAGAATGCTCGTAGAGAAAGCATTTCTTTTTGATTAGGTCGCG[G>A]TCCATCTTTTAAAAAAATATACACATACACATTTAGTATTTAAAGGACCTCAAAGCTGTC-3'
Protein context (NP_001351834.1, residues 634-654): SGITPKGLDG[Pro644Ser]RPNQKEMLSL

ClinVar aggregate classification (germline): Uncertain significance. Review status: criteria provided, single submitter (1 of 4 stars). 2 submissions from 2 submitters: Uncertain significance (1). 1 of the submissions does not count toward it. Last evaluated 2021-04-18.

Conditions:
Combined immunodeficiency due to LRBA deficiency. Also called: Common variable immunodeficiency 8, with autoimmunity. Identifiers: Orphanet 445018, MedGen C3553512, MONDO:0013863, OMIM 614700.

Submissions (2):

Labcorp Genetics (formerly Invitae), Labcorp
Classification: Uncertain significance for Combined immunodeficiency due to LRBA deficiency. Last evaluated: 2021-04-18. Review status: criteria provided, single submitter. Criteria: Invitae Variant Classification Sherloc (09022015). Collection method: clinical testing. Allele origin: germline.
Comment: In summary, the available evidence is currently insufficient to determine the role of this variant in disease. Therefore, it has been classified as a Variant of Uncertain Significance. Algorithms developed to predict the effect of missense changes on protein structure and function are either unavailable or do not agree on the potential impact of this missense change (SIFT: "Tolerated"; PolyPhen-2: "Probably Damaging"; Align-GVGD: "Class C0"). This variant has not been reported in the literature in individuals with LRBA-related conditions. ClinVar contains an entry for this variant (Variation ID: 973648). This sequence change replaces proline with serine at codon 644 of the LRBA protein (p.Pro644Ser). The proline residue is weakly conserved and there is a moderate physicochemical difference between proline and serine. This variant is not present in population databases (ExAC no frequency).

UOSD Laboratory of Genetics & Genomics of Rare Diseases, Istituto Giannina Gaslini
Classification: Uncertain significance for Combined immunodeficiency due to LRBA deficiency. Last evaluated: 2020-05-21. Review status: no assertion criteria provided. Collection method: clinical testing. Allele origin: germline. Affected: yes. Observed: 1 variant allele. Not counted in ClinVar's aggregate classification.